The following is an entry in ClinVar:

NM_001170629.2(CHD8):c.2691G>A (p.Gln897=)

Gene: CHD8 (chromodomain helicase DNA binding protein 8; minus strand). Cytogenetic location: 14q11.2.
Variant type: single nucleotide variant.
Coding change: c.2691G>A on transcript NM_001170629.2 (MANE Select); coding-DNA position 2691, G replaced by A.
Protein change: p.Gln897=; no amino-acid change (glutamine 897 retained).
Molecular consequence: synonymous variant.
Genome position (GRCh38, 1-based): chr14:21,408,351, C>T on the plus strand (G>A on the coding strand, the complement: CHD8 is on the minus strand). VCF-style: chr14-21408351-C-T. GRCh37 (hg19) VCF-style: chr14-21876510-C-T.
Other names: c.1854G>A, p.Gln618= (NM_020920.4).
Identifiers: ClinVar variation 597885 (VCV000597885.31), dbSNP rs1369694963, ClinGen allele CA484986536.

ClinVar aggregate classification (germline): Conflicting classifications of pathogenicity. Review status: criteria provided, conflicting classifications (1 of 4 stars). 3 submissions from 3 submitters: Uncertain significance (1); Likely benign (2). Last evaluated 2026-05-01.

Allele frequency attached by ClinVar (database versions not stated): TOPMed 0.00002.
gnomAD v4.1: 1 of 1,613,758 alleles (0.000062%); highest among the groups gnomAD compares: Admixed American, 0.0017%; no homozygotes.

Submissions (3):

CeGaT Center for Human Genetics Tuebingen
Classification: Likely benign. Last evaluated: 2026-05-01. Review status: criteria provided, single submitter. Criteria: CeGaT Center For Human Genetics Tuebingen Variant Classification Criteria Version 2. Collection method: clinical testing. Allele origin: germline. Affected: yes. Observed: 2 variant alleles.
Comment: CHD8: BP4, BP7

Labcorp Genetics (formerly Invitae), Labcorp
Classification: Likely benign. Last evaluated: 2025-05-11. Review status: criteria provided, single submitter. Criteria: Invitae Variant Classification Sherloc (09022015). Collection method: clinical testing. Allele origin: germline.

Eurofins Ntd Llc (ga)
Classification: Uncertain significance. Last evaluated: 2018-07-10. Review status: criteria provided, single submitter. Criteria: EGL ClinVar v180209 classification definitions. Collection method: clinical testing. Allele origin: germline. Observed: 1 variant allele, 1 heterozygote.